The following is an entry in ClinVar:

ClinVar aggregate classification (germline): Uncertain significance (1 of 4 stars; one submission).

Conditions:
PHOX2A-related disorder. Also called: PHOX2A-related condition.

Submission:

PreventionGenetics, part of Exact Sciences
Classification: Uncertain significance for PHOX2A-related condition. Last evaluated: 2023-06-22. Review status: criteria provided, single submitter. Criteria: ACMG Guidelines, 2015. Collection method: clinical testing. Allele origin: germline.
Comment: The PHOX2A c.689C>T variant is predicted to result in the amino acid substitution p.Ala230Val. To our knowledge, this variant has not been reported in the literature or in a large population database, indicating this variant is rare. At this time, the clinical significance of this variant is uncertain due to the absence of conclusive functional and genetic evidence.

NM_005169.4(PHOX2A):c.689C>T (p.Ala230Val)

Genes: PHOX2A (paired like homeobox 2A; minus strand), LOC130006329 (ATAC-STARR-seq lymphoblastoid silent region 3718; plus strand). Cytogenetic location: 11q13.4.
Variant type: single nucleotide variant.
Coding change: c.689C>T on transcript NM_005169.4 (MANE Select); coding-DNA position 689, C replaced by T.
Protein change: p.Ala230Val; replaces alanine 230 with valine.
Molecular consequence: missense variant.
Genome position (GRCh38, 1-based): chr11:72,239,915, G>A on the plus strand (C>T on the coding strand, the complement: PHOX2A is on the minus strand). VCF-style: chr11-72239915-G-A. GRCh37 (hg19) VCF-style: chr11-71950959-G-A.
Other names: c.773C>T, p.Ala258Val (NM_001425096.1); c.713C>T, p.Ala238Val (NM_001425097.1); c.*568C>T (NM_001425098.1); short protein forms A230V, A238V, A258V.
Identifiers: ClinVar variation 2635864 (VCV002635864.1), dbSNP rs2539261152, ClinGen allele CA381742035.
Genomic context (GRCh38, chr11:72,239,915, plus strand): 5'-AGTTCGGCCGCTCCCGCGCCAGGCCCGCCGCCCCCACCGCCCGCCACACCGGCCCACAGT[G>A]CGCCCTTGAGCGGCTGTGGCCCCGGCCCAGGTCCCGGCCCGGAGCCCAGTGCGACGGGCA-3'
Protein context (NP_005160.2, residues 220-240): PGPGPQPLKG[Ala230Val]LWAGVAGGGG